The following is an entry in ClinVar:

NM_001377540.1(SLMAP):c.990A>T (p.Glu330Asp)

Gene: SLMAP (sarcolemma associated protein; plus strand). Cytogenetic location: 3p14.3.
Variant type: single nucleotide variant.
Coding change: c.990A>T on transcript NM_001377540.1 (MANE Select); coding-DNA position 990, A replaced by T.
Protein change: p.Glu330Asp; replaces glutamic acid 330 with aspartic acid.
Molecular consequence: missense variant. On other transcripts: non-coding transcript variant (1).
Genome position (GRCh38, 1-based): chr3:57,864,571, A>T. VCF-style: chr3-57864571-A-T. GRCh37 (hg19) VCF-style: chr3-57850298-A-T.
Other names: c.990A>T, p.Glu330Asp (NM_001377551.1, NM_001377552.1, NM_001377555.1 and 17 more transcripts); short protein forms E330D.
Identifiers: ClinVar variation 2089345 (VCV002089345.4), dbSNP rs2473546886, ClinGen allele CA353408455.

ClinVar aggregate classification (germline): Uncertain significance (1 of 4 stars; one submission).

Conditions:
Brugada syndrome. Also called: Sudden unexpected nocturnal death syndrome; Sudden Unexplained Death Syndrome; Sudden Unexplained Nocturnal Death Syndrome (SUNDS); Sudden unexplained nocturnal death syndrome. Identifiers: Orphanet 130, MedGen C1142166, MONDO:0015263.

Submission:

Labcorp Genetics (formerly Invitae), Labcorp
Classification: Uncertain significance for Brugada syndrome. Last evaluated: 2022-10-17. Review status: criteria provided, single submitter. Criteria: Invitae Variant Classification Sherloc (09022015). Collection method: clinical testing. Allele origin: germline.
Comment: This sequence change replaces glutamic acid, which is acidic and polar, with aspartic acid, which is acidic and polar, at codon 330 of the SLMAP protein (p.Glu330Asp). This variant is not present in population databases (gnomAD no frequency). This variant has not been reported in the literature in individuals affected with SLMAP-related conditions. Algorithms developed to predict the effect of missense changes on protein structure and function are either unavailable or do not agree on the potential impact of this missense change (SIFT: "Tolerated"; PolyPhen-2: "Possibly Damaging"; Align-GVGD: "Class C0"). In summary, the available evidence is currently insufficient to determine the role of this variant in disease. Therefore, it has been classified as a Variant of Uncertain Significance.